The following is an entry in ClinVar:

ClinVar aggregate classification (germline): Uncertain significance (1 of 4 stars; one submission).

Submission:

Labcorp Genetics (formerly Invitae), Labcorp
Classification: Uncertain significance. Last evaluated: 2024-09-16. Review status: criteria provided, single submitter. Criteria: Invitae Variant Classification Sherloc (09022015). Collection method: clinical testing. Allele origin: germline.
Comment: This sequence change falls in intron 12 of the TOP2B gene. It does not directly change the encoded amino acid sequence of the TOP2B protein. This variant is not present in population databases (gnomAD no frequency). This variant has not been reported in the literature in individuals affected with TOP2B-related conditions. Algorithms developed to predict the effect of sequence changes on RNA splicing suggest that this variant may disrupt the consensus splice site. In summary, the available evidence is currently insufficient to determine the role of this variant in disease. Therefore, it has been classified as a Variant of Uncertain Significance.

NM_001330700.2(TOP2B):c.1564-6dup

Gene: TOP2B (DNA topoisomerase II beta; minus strand). Cytogenetic location: 3p24.2.
Variant type: Duplication.
Coding change: c.1564-6dup on transcript NM_001330700.2 (MANE Select); 6 bases into the intron before coding-DNA position 1564, one base duplicated (G; older notation c.1564-6dupG).
Molecular consequence: intron variant.
Genome position (GRCh38, 1-based): chr3:25,630,160, C duplicated on the plus strand (G on the coding strand, the reverse complement: TOP2B is on the minus strand). VCF-style (leftmost placement, unchanged base first): chr3-25630159-T-TC. GRCh37 (hg19) VCF-style: chr3-25671650-T-TC.
Other names: c.1549-6dup (NM_001068.3).
Identifiers: ClinVar variation 3717513 (VCV003717513.2).